The following is an entry in ClinVar:

NM_025137.4(SPG11):c.2561C>T (p.Ala854Val)

Gene: SPG11 (SPG11 vesicle trafficking associated, spatacsin; minus strand). Cytogenetic location: 15q21.1.
Variant type: single nucleotide variant.
Coding change: c.2561C>T on transcript NM_025137.4 (MANE Select); coding-DNA position 2561, C replaced by T.
Protein change: p.Ala854Val; replaces alanine 854 with valine.
Molecular consequence: missense variant.
Genome position (GRCh38, 1-based): chr15:44,621,818, G>A on the plus strand (C>T on the coding strand, the complement: SPG11 is on the minus strand). VCF-style: chr15-44621818-G-A. GRCh37 (hg19) VCF-style: chr15-44914016-G-A.
Other names: p.Ala854Val; c.2561C>T, p.Ala854Val (NM_001160227.2); short protein forms A854V.
Identifiers: ClinVar variation 534838 (VCV000534838.11), dbSNP rs758923470, ClinGen allele CA7535208.

ClinVar aggregate classification (germline): Uncertain significance. Review status: criteria provided, multiple submitters, no conflicts (2 of 4 stars). 7 submissions from 5 submitters: Uncertain significance (7). Last evaluated 2025-02-28.

Conditions:
Hereditary spastic paraplegia 11. Also called: Spastic Paraplegia 11; Spastic paraplegia, mental retardation and thin corpus callosum; Nakamura Osame syndrome; Autosomal recessive hereditary spastic paraplegia, mental impairment, and thin corpus callosum; SPASTIC PARAPLEGIA, AUTOSOMAL RECESSIVE, COMPLICATED, WITH THIN CORPUS CALLOSUM; SPASTIC PARAPLEGIA, AUTOSOMAL RECESSIVE, WITH MENTAL IMPAIRMENT AND THIN CORPUS CALLOSUM. Identifiers: Orphanet 2822, MedGen C1858479, MONDO:0011445, OMIM 604360.
Amyotrophic lateral sclerosis type 5 (ALS5). Also called: AMYOTROPHIC LATERAL SCLEROSIS 5, JUVENILE. Identifiers: Orphanet 300605, MedGen C1865864, MONDO:0011196, OMIM 602099.
SPG11-related disorder. Also called: SPG11-related condition.
Charcot-Marie-Tooth disease axonal type 2X. Also called: CHARCOT-MARIE-TOOTH DISEASE, AXONAL, AUTOSOMAL RECESSIVE, TYPE 2X; CHARCOT-MARIE-TOOTH NEUROPATHY, TYPE 2X. Identifiers: Orphanet 466775, MedGen C5569024, MONDO:0014726, OMIM 616668.

Allele frequency attached by ClinVar (database versions not stated): ExAC 0.00002; gnomAD 0.00002; TOPMed 0.00002; gnomAD exomes 0.00003 and 0.00010.
gnomAD v4.1: 143 of 1,613,722 alleles (0.0089%); highest among the groups gnomAD compares: Non-Finnish European, 0.012%; no homozygotes.

Submissions (7):

PreventionGenetics, part of Exact Sciences
Classification: Uncertain significance for SPG11-related condition. Last evaluated: 2025-02-28. Review status: criteria provided, single submitter. Criteria: ACMG Guidelines, 2015. Collection method: clinical testing. Allele origin: germline.
Comment: The SPG11 c.2561C>T variant is predicted to result in the amino acid substitution p.Ala854Val. This variant was reported as a variant of uncertain significance in an individual with ataxia (Table 3, Ngo et al. 2020. PubMed ID: 31692161). This variant is reported in 0.0062% of alleles in individuals of African descent in gnomAD. At this time, the clinical significance of this variant is uncertain due to the absence of conclusive functional and genetic evidence.

Mayo Clinic Laboratories, Mayo Clinic
Classification: Uncertain significance. Last evaluated: 2024-08-27. Review status: criteria provided, single submitter. Criteria: ACMG Guidelines, 2015. Collection method: clinical testing. Allele origin: germline. Observed: 1 variant allele.
Comment: BP4, PM2

Athena Diagnostics
Classification: Uncertain significance. Last evaluated: 2024-04-05. Review status: criteria provided, single submitter. Criteria: Athena Diagnostics Criteria. Collection method: clinical testing. Allele origin: unknown.
Comment: Available data are insufficient to determine the clinical significance of the variant at this time. The frequency of this variant in the general population is uninformative in assessment of its pathogenicity. Computational tools predict that this variant is not damaging.

Labcorp Genetics (formerly Invitae), Labcorp
Classification: Uncertain significance for Hereditary spastic paraplegia 11. Last evaluated: 2022-08-23. Review status: criteria provided, single submitter. Criteria: Invitae Variant Classification Sherloc (09022015). Collection method: clinical testing. Allele origin: germline.
Comment: This sequence change replaces alanine, which is neutral and non-polar, with valine, which is neutral and non-polar, at codon 854 of the SPG11 protein (p.Ala854Val). This variant is present in population databases (rs758923470, gnomAD 0.005%). This missense change has been observed in individual(s) with ataxia (PMID: 31692161). ClinVar contains an entry for this variant (Variation ID: 534838). Algorithms developed to predict the effect of missense changes on protein structure and function are either unavailable or do not agree on the potential impact of this missense change (SIFT: "Tolerated"; PolyPhen-2: "Possibly Damaging"; Align-GVGD: "Class C0"). In summary, the available evidence is currently insufficient to determine the role of this variant in disease. Therefore, it has been classified as a Variant of Uncertain Significance.

Genome-Nilou Lab
Classification: Uncertain significance for Amyotrophic lateral sclerosis type 5. Review status: criteria provided, single submitter. Criteria: ACMG Guidelines, 2015. Collection method: clinical testing. Allele origin: germline.

Genome-Nilou Lab
Classification: Uncertain significance for Charcot-Marie-Tooth disease axonal type 2X. Review status: criteria provided, single submitter. Criteria: ACMG Guidelines, 2015. Collection method: clinical testing. Allele origin: germline.

Genome-Nilou Lab
Classification: Uncertain significance for Hereditary spastic paraplegia 11. Review status: criteria provided, single submitter. Criteria: ACMG Guidelines, 2015. Collection method: clinical testing. Allele origin: germline.

Literature cited by the submitters: PubMed 31692161 (cited by 3 submitters).